The following is an entry in ClinVar:

ClinVar aggregate classification (germline): Uncertain significance (1 of 4 stars; one submission).

Allele frequency attached by ClinVar (database versions not stated): gnomAD 0.00001; gnomAD exomes 0.00001.
gnomAD v4.1: 4 of 1,614,044 alleles (0.00025%); highest among the groups gnomAD compares: Non-Finnish European, 0.00034%; no homozygotes.

Submission:

Labcorp Genetics (formerly Invitae), Labcorp
Classification: Uncertain significance. Last evaluated: 2023-11-06. Review status: criteria provided, single submitter. Criteria: Invitae Variant Classification Sherloc (09022015). Collection method: clinical testing. Allele origin: germline.
Comment: This sequence change replaces aspartic acid, which is acidic and polar, with asparagine, which is neutral and polar, at codon 621 of the BRD4 protein (p.Asp621Asn). This variant is not present in population databases (gnomAD no frequency). This variant has not been reported in the literature in individuals affected with BRD4-related conditions. Advanced modeling of protein sequence and biophysical properties (such as structural, functional, and spatial information, amino acid conservation, physicochemical variation, residue mobility, and thermodynamic stability) has been performed at Invitae for this missense variant, however the output from this modeling did not meet the statistical confidence thresholds required to predict the impact of this variant on BRD4 protein function. In summary, the available evidence is currently insufficient to determine the role of this variant in disease. Therefore, it has been classified as a Variant of Uncertain Significance.

NM_001379291.1(BRD4):c.1861G>A (p.Asp621Asn)

Gene: BRD4 (bromodomain containing 4; minus strand). Cytogenetic location: 19p13.12.
Variant type: single nucleotide variant.
Coding change: c.1861G>A on transcript NM_001379291.1 (MANE Select); coding-DNA position 1861, G replaced by A.
Protein change: p.Asp621Asn; replaces aspartic acid 621 with asparagine.
Molecular consequence: missense variant.
Genome position (GRCh38, 1-based): chr19:15,255,483, C>T on the plus strand (G>A on the coding strand, the complement: BRD4 is on the minus strand). VCF-style: chr19-15255483-C-T. GRCh37 (hg19) VCF-style: chr19-15366294-C-T.
Other names: c.1861G>A, p.Asp621Asn (NM_001330384.2, NM_001379292.1, NM_014299.3 and 1 more transcripts); short protein forms D621N.
Identifiers: ClinVar variation 2693612 (VCV002693612.3), dbSNP rs1568383751, ClinGen allele CA404519571.